The following is an entry in ClinVar:

ClinVar aggregate classification (germline): Benign. Review status: criteria provided, multiple submitters, no conflicts (2 of 4 stars). 10 submissions from 10 submitters: Benign (9). 1 of the submissions does not count toward it. Last evaluated 2026-02-04.

Conditions:
Microcephalic osteodysplastic primordial dwarfism type II (MOPD2). Also called: MOPD II; OSTEODYSPLASTIC PRIMORDIAL DWARFISM, TYPE II; Microcephalic osteodysplastic primordial dwarfism with tooth abnormalities. Identifiers: Orphanet 2637, MedGen C0432246, MONDO:0008872, OMIM 210720.

Allele frequency attached by ClinVar (database versions not stated): 1000 Genomes Project 0.83886; 1000 Genomes Project 30x 0.84119; gnomAD exomes 0.85259 and 0.86887; ExAC 0.85275; gnomAD 0.86956 and 0.87375; TOPMed 0.87258; ESP Exome Variant Server 0.88175.
gnomAD v4.1: 1,402,384 of 1,614,110 alleles (87%); highest among the groups gnomAD compares: African/African-American, 90%; 610,230 homozygotes.

Submissions (10):

Labcorp Genetics (formerly Invitae), Labcorp
Classification: Benign. Last evaluated: 2026-02-04. Review status: criteria provided, single submitter. Criteria: Invitae Variant Classification Sherloc (09022015). Collection method: clinical testing. Allele origin: germline.

Blueprint Genetics
Classification: Benign. Last evaluated: 2024-11-28. Review status: criteria provided, single submitter. Criteria: ACMG Guidelines, 2015. Collection method: clinical testing. Allele origin: germline.

Genome-Nilou Lab
Classification: Benign for Microcephalic osteodysplastic primordial dwarfism type II. Last evaluated: 2021-09-05. Review status: criteria provided, single submitter. Criteria: ACMG Guidelines, 2015. Collection method: clinical testing. Allele origin: germline. Affected: no.

Illumina Laboratory Services, Illumina
Classification: Benign for Microcephalic osteodysplastic primordial dwarfism type II. Last evaluated: 2018-01-12. Review status: criteria provided, single submitter. Criteria: ICSL Variant Classification Criteria 13 December 2019. Collection method: clinical testing. Allele origin: germline.
Comment: This variant was observed in the ICSL laboratory as part of a predisposition screen in an ostensibly healthy population. It had not been previously curated by ICSL or reported in the Human Gene Mutation Database (HGMD: prior to June 1st, 2018), and was therefore a candidate for classification through an automated scoring system. Utilizing variant allele frequency, disease prevalence and penetrance estimates, and inheritance mode, an automated score was calculated to assess if this variant is too frequent to cause the disease. Based on the score and internal cut-off values, a variant classified as benign is not then subjected to further curation. The score for this variant resulted in a classification of benign for this disease.

Clinical Genetics DNA and cytogenetics Diagnostics Lab, Erasmus MC, Erasmus Medical Center
Classification: Benign for Microcephalic osteodysplastic primordial dwarfism type II. Last evaluated: 2017-06-28. Review status: criteria provided, single submitter. Criteria: ACGS Guidelines, 2013. Collection method: clinical testing. Allele origin: germline. Affected: yes. Study: VKGL Data-share Consensus.

Eurofins Ntd Llc (ga)
Classification: Benign. Last evaluated: 2016-06-22. Review status: criteria provided, single submitter. Criteria: EGL Classification Definitions 2015. Collection method: clinical testing. Allele origin: germline. Observed: 1 variant allele, 1 homozygote.

GeneDx
Classification: Benign. Last evaluated: 2015-03-03. Review status: criteria provided, single submitter. Criteria: GeneDx Variant Classification Process June 2021. Collection method: clinical testing. Allele origin: germline. Affected: yes.

Genetic Services Laboratory, University of Chicago
Classification: Benign. Last evaluated: 2013-02-08. Review status: criteria provided, single submitter. Criteria: ACMG Guidelines, 2007. Collection method: clinical testing. Allele origin: germline. Inheritance: Autosomal recessive inheritance.

Breakthrough Genomics
Classification: Benign. Review status: criteria provided, single submitter. Criteria: ACMG Guidelines, 2015. Collection method: not provided. Allele origin: germline. Inheritance: Autosomal recessive inheritance. Affected: yes.

Diagnostic Laboratory, Department of Genetics, University Medical Center Groningen
Classification: Benign for Microcephalic osteodysplastic primordial dwarfism type II. Review status: no assertion criteria provided. Collection method: clinical testing. Allele origin: germline. Affected: yes. Study: VKGL Data-share Consensus. Not counted in ClinVar's aggregate classification.

NM_006031.6(PCNT):c.2928C>G (p.Leu976=)

Gene: PCNT (pericentrin; plus strand). Cytogenetic location: 21q22.3.
Variant type: single nucleotide variant.
Coding change: c.2928C>G on transcript NM_006031.6 (MANE Select); coding-DNA position 2928, C replaced by G.
Protein change: p.Leu976=; no amino-acid change (leucine 976 retained).
Molecular consequence: synonymous variant.
Genome position (GRCh38, 1-based): chr21:46,366,902, C>G. VCF-style: chr21-46366902-C-G. GRCh37 (hg19) VCF-style: chr21-47786817-C-G.
Other names: c.2574C>G, p.Leu858= (NM_001315529.2).
Identifiers: ClinVar variation 159579 (VCV000159579.25), dbSNP rs2839228, ClinGen allele CA172987.
Genomic context (GRCh38, chr21:46,366,902, plus strand): 5'-CCTCGGCGCTCTGGAGACCAGACATCTGTCCAGCCTTGATTCTTTGGAATCCTGTTACCT[C>G]TCTGAATTTCAGACCATCCGTGAGGAGCACAGGCAGGCCCTAGAGCTCTTACGAGCAGAC-3'
Protein context (NP_006022.3, residues 966-986): SSLDSLESCY[Leu976=]SEFQTIREEH